The following is an entry in ClinVar:

NM_172364.5(CACNA2D4):c.1039C>A (p.Leu347Ile)

Gene: CACNA2D4 (calcium voltage-gated channel auxiliary subunit alpha2delta 4; minus strand). Cytogenetic location: 12p13.33.
Variant type: single nucleotide variant.
Coding change: c.1039C>A on transcript NM_172364.5 (MANE Select); coding-DNA position 1039, C replaced by A.
Protein change: p.Leu347Ile; replaces leucine 347 with isoleucine.
Molecular consequence: missense variant.
Genome position (GRCh38, 1-based): chr12:1,885,994, G>T on the plus strand (C>A on the coding strand, the complement: CACNA2D4 is on the minus strand). VCF-style: chr12-1885994-G-T. GRCh37 (hg19) VCF-style: chr12-1995160-G-T.
Other names: short protein forms L347I.
Identifiers: ClinVar variation 2973521 (VCV002973521.3), dbSNP rs2497246449, ClinGen allele CA383360023.

ClinVar aggregate classification (germline): Uncertain significance (1 of 4 stars; one submission).

Submission:

Labcorp Genetics (formerly Invitae), Labcorp
Classification: Uncertain significance. Last evaluated: 2023-09-03. Review status: criteria provided, single submitter. Criteria: Invitae Variant Classification Sherloc (09022015). Collection method: clinical testing. Allele origin: germline.
Comment: This sequence change replaces leucine, which is neutral and non-polar, with isoleucine, which is neutral and non-polar, at codon 347 of the CACNA2D4 protein (p.Leu347Ile). This variant is not present in population databases (gnomAD no frequency). This variant has not been reported in the literature in individuals affected with CACNA2D4-related conditions. An algorithm developed to predict the effect of missense changes on protein structure and function (PolyPhen-2) suggests that this variant is likely to be disruptive. In summary, the available evidence is currently insufficient to determine the role of this variant in disease. Therefore, it has been classified as a Variant of Uncertain Significance.